The following is an entry in ClinVar:

ClinVar aggregate classification (germline): Uncertain significance. Review status: criteria provided, multiple submitters, no conflicts (2 of 4 stars). 2 submissions from 2 submitters: Uncertain significance (2). Last evaluated 2026-05-22.

Conditions:
GPBAR1-related disorder. Also called: GPBAR1-related condition.

Allele frequency attached by ClinVar (database versions not stated): 1000 Genomes Project 0.00020; ESP Exome Variant Server 0.00025; 1000 Genomes Project 30x 0.00031; gnomAD 0.00038; TOPMed 0.00057.
gnomAD v4.1: 1,763 of 1,612,266 alleles (0.11%); highest among the groups gnomAD compares: Non-Finnish European, 0.14%; 4 homozygotes.

Submissions (2):

PreventionGenetics, part of Exact Sciences
Classification: Uncertain significance for GPBAR1-related condition. Last evaluated: 2026-05-22. Review status: criteria provided, single submitter. Criteria: ACMG Guidelines, 2015. Collection method: clinical testing. Allele origin: germline.
Comment: The GPBAR1 c.814A>G variant is predicted to result in the amino acid substitution p.Ser272Gly. This variant has been reported in a patient with primary sclerosing cholangitis (Hov et al. 2010. PubMed ID: 20811628) and a patient with benign recurrent intrahepatic cholestasis (Huynh et al. 2019. PubMed ID: 31538484). Functional studies in vitro indicate that the c.814A>G (p.Ser272Gly) variant exhibited reduced plasma membrane localization and reduced responsiveness following stimulation with the bile acid taurolithocholic acid (Hov et al. 2010. PubMed ID: 20811628). However, this variant is reported in 0.12% of alleles in individuals of European (Non-Finnish) descent in gnomAD, including four homozygous individuals of unknown phenotype. Although we suspect that this variant may be benign, at this time, the clinical significance of this variant is uncertain due to the absence of conclusive functional and genetic evidence.

Eurofins Ntd Llc (ga)
Classification: Uncertain significance. Last evaluated: 2018-06-13. Review status: criteria provided, single submitter. Criteria: EGL ClinVar v180209 classification definitions. Collection method: clinical testing. Allele origin: germline. Observed: 3 variant alleles, 3 heterozygotes.

NM_170699.3(GPBAR1):c.814A>G (p.Ser272Gly)

Gene: GPBAR1 (G protein-coupled bile acid receptor 1; plus strand). Cytogenetic location: 2q35.
Variant type: single nucleotide variant.
Coding change: c.814A>G on transcript NM_170699.3 (MANE Select); coding-DNA position 814, A replaced by G.
Protein change: p.Ser272Gly; replaces serine 272 with glycine.
Molecular consequence: missense variant.
Genome position (GRCh38, 1-based): chr2:218,263,538, A>G. VCF-style: chr2-218263538-A-G. GRCh37 (hg19) VCF-style: chr2-219128261-A-G.
Other names: c.814A>G, p.Ser272Gly (NM_001077191.2, NM_001077194.2, NM_001321950.2); c.814A>G (NM_001321950.1); short protein forms S272G.
Identifiers: ClinVar variation 593144 (VCV000593144.7), dbSNP rs144467445, ClinGen allele CA2102692.